The following is an entry in ClinVar:

NM_001379110.1(SLC9A6):c.-35G>A

Gene: SLC9A6 (solute carrier family 9 member A6; plus strand). Cytogenetic location: Xq26.3.
Variant type: single nucleotide variant.
Coding change: c.-35G>A on transcript NM_001379110.1 (MANE Select); 35 bases upstream of the start codon, G replaced by A.
Molecular consequence: 5 prime UTR variant. On other transcripts: missense variant (2).
Genome position (GRCh38, 1-based): chrX:135,985,624, G>A. VCF-style: chrX-135985624-G-A. GRCh37 (hg19) VCF-style: chrX-135067783-G-A.
Other names: c.122G>A, p.Gly41Glu (NM_001042537.2, NM_006359.3); c.-35G>A (NM_001177651.2, NM_001330652.2); short protein forms G41E.
Identifiers: ClinVar variation 429719 (VCV000429719.5), dbSNP rs782774568, ClinGen allele CA10524594.

ClinVar aggregate classification (germline): Uncertain significance. Review status: criteria provided, multiple submitters, no conflicts (2 of 4 stars). 3 submissions from 3 submitters: Uncertain significance (3). Last evaluated 2025-03-30.

Conditions:
Christianson syndrome (MRXSCH). Also called: X-linked mental retardation, syndromic, Christianson type; INTELLECTUAL DEVELOPMENTAL DISORDER, X-LINKED, SYNDROMIC, CHRISTIANSON TYPE; SLC9A6-Related Syndromic Mental Retardation. Identifiers: Orphanet 85278, MedGen C2678194, MONDO:0010278, OMIM 300243.

Allele frequency attached by ClinVar (database versions not stated): ExAC 0.00001; gnomAD exomes 0.00001.
gnomAD v4.1: 12 of 1,210,409 alleles (0.00099%); highest among the groups gnomAD compares: South Asian, 0.021%; no homozygotes.

Submissions (3):

Labcorp Genetics (formerly Invitae), Labcorp
Classification: Uncertain significance for Christianson syndrome. Last evaluated: 2025-03-30. Review status: criteria provided, single submitter. Criteria: Invitae Variant Classification Sherloc (09022015). Collection method: clinical testing. Allele origin: germline.
Comment: This sequence change replaces glycine, which is neutral and non-polar, with glutamic acid, which is acidic and polar, at codon 41 of the SLC9A6 protein (p.Gly41Glu). This variant is present in population databases (rs782774568, gnomAD 0.005%). This variant has not been reported in the literature in individuals affected with SLC9A6-related conditions. ClinVar contains an entry for this variant (Variation ID: 429719). An algorithm developed to predict the effect of missense changes on protein structure and function (PolyPhen-2) suggests that this variant is likely to be tolerated. In summary, the available evidence is currently insufficient to determine the role of this variant in disease. Therefore, it has been classified as a Variant of Uncertain Significance.

Blueprint Genetics
Classification: Uncertain significance. Last evaluated: 2019-06-03. Review status: criteria provided, single submitter. Criteria: ACMG Guidelines, 2015. Collection method: clinical testing. Allele origin: germline.

GeneDx
Classification: Uncertain significance. Last evaluated: 2019-01-08. Review status: criteria provided, single submitter. Criteria: GeneDx Variant Classification (06012015). Collection method: clinical testing. Allele origin: germline. Affected: yes.
Comment: The G41E variant in the SLC9A6 gene has not been reported previously as a pathogenic variant, nor as a benign variant, to our knowledge. The G41E variant is not observed in large population cohorts (Lek et al., 2016; 1000 Genomes Consortium et al., 2015; Exome Variant Server). The G41E variant is a non-conservative amino acid substitution, which is likely to impact secondary protein structure as these residues differ in polarity, charge, size and/or other properties. This substitution occurs at a position that is not conserved. In silico analysis is inconsistent in its predictions as to whether or not the variant is damaging to the protein structure/function. We interpret G41E as a variant of uncertain significance.